The following is an entry in ClinVar:

NM_020964.3(EPG5):c.6292G>T (p.Val2098Phe)

Gene: EPG5 (ectopic P-granules 5 autophagy tethering factor; minus strand). Cytogenetic location: 18q12.3.
Variant type: single nucleotide variant.
Coding change: c.6292G>T on transcript NM_020964.3 (MANE Select); coding-DNA position 6292, G replaced by T.
Protein change: p.Val2098Phe; replaces valine 2098 with phenylalanine.
Molecular consequence: missense variant.
Genome position (GRCh38, 1-based): chr18:45,867,682, C>A on the plus strand (G>T on the coding strand, the complement: EPG5 is on the minus strand). VCF-style: chr18-45867682-C-A. GRCh37 (hg19) VCF-style: chr18-43447647-C-A.
Other names: c.6292G>T (NM_020964.2); short protein forms V2098F.
Identifiers: ClinVar variation 1044630 (VCV001044630.7), dbSNP rs377726262, ClinGen allele CA8948309.

ClinVar aggregate classification (germline): Conflicting classifications of pathogenicity. Review status: criteria provided, conflicting classifications (1 of 4 stars). 3 submissions from 3 submitters: Uncertain significance (2); Benign (1). Last evaluated 2025-08-03.

Conditions:
Vici syndrome (VICIS). Identifiers: Orphanet 1493, MedGen C1855772, MONDO:0009452, OMIM 242840.
Inborn genetic diseases. Identifiers: MedGen C0950123, MeSH D030342.
Limb-girdle muscular dystrophy (LGMD). Also called: Muscular Dystrophies, Limb-Girdle. Identifiers: Orphanet 263, MedGen C0686353, MeSH D049288, MONDO:0016971, HP:0006785.

Allele frequency attached by ClinVar (database versions not stated): gnomAD exomes 0.00001; ExAC 0.00002; gnomAD 0.00009; TOPMed 0.00011; ESP Exome Variant Server 0.00025.
gnomAD v4.1: 38 of 1,613,976 alleles (0.0024%); highest among the groups gnomAD compares: African/African-American, 0.04%; no homozygotes.

Submissions (3):

Ambry Genetics
Classification: Uncertain significance for Inborn genetic diseases. Last evaluated: 2025-08-03. Review status: criteria provided, single submitter. Criteria: Ambry Variant Classification Scheme 2023. Collection method: clinical testing. Allele origin: germline.

Labcorp Genetics (formerly Invitae), Labcorp
Classification: Uncertain significance for Vici syndrome. Last evaluated: 2022-08-16. Review status: criteria provided, single submitter. Criteria: Invitae Variant Classification Sherloc (09022015). Collection method: clinical testing. Allele origin: germline.
Comment: This sequence change replaces valine, which is neutral and non-polar, with phenylalanine, which is neutral and non-polar, at codon 2098 of the EPG5 protein (p.Val2098Phe). This variant is present in population databases (rs377726262, gnomAD 0.02%). This variant has not been reported in the literature in individuals affected with EPG5-related conditions. ClinVar contains an entry for this variant (Variation ID: 1044630). Algorithms developed to predict the effect of missense changes on protein structure and function are either unavailable or do not agree on the potential impact of this missense change (SIFT: "Tolerated"; PolyPhen-2: "Probably Damaging"; Align-GVGD: "Class C0"). In summary, the available evidence is currently insufficient to determine the role of this variant in disease. Therefore, it has been classified as a Variant of Uncertain Significance.

Cambridge Genomics Laboratory, East Genomic Laboratory Hub, NHS Genomic Medicine Service
Classification: Benign for Limb-girdle muscular dystrophy. Last evaluated: 2019-08-28. Review status: criteria provided, single submitter. Criteria: ACGS Best Practice Guidelines for Variant Classification in Rare Disease 2020. Collection method: clinical testing. Allele origin: germline. Affected: yes. Observed: 1 variant allele.